The following is an entry in ClinVar:

NM_144599.5(NIPA1):c.*3480C>T

Gene: NIPA1 (NIPA magnesium transporter 1; plus strand). Cytogenetic location: 15q11.2.
Variant type: single nucleotide variant.
Coding change: c.*3480C>T on transcript NM_144599.5 (MANE Select); 3480 bases downstream of the stop codon, C replaced by T.
Molecular consequence: 3 prime UTR variant.
Genome position (GRCh38, 1-based): chr15:22,827,719, C>T. VCF-style: chr15-22827719-C-T. GRCh37 (hg19) VCF-style: chr15-23045349-G-A.
Other names: c.*3480C>T (NM_001142275.1).
Identifiers: ClinVar variation 315358 (VCV000315358.5), dbSNP rs112696483, ClinGen allele CA10646707.

ClinVar aggregate classification (germline): Benign (1 of 4 stars; one submission).

Conditions:
Hereditary spastic paraplegia 6 (SPG6). Also called: SPASTIC PARAPLEGIA 6, AUTOSOMAL DOMINANT. Identifiers: Orphanet 100988, MedGen C1838192, MONDO:0010878, OMIM 600363.

Allele frequency attached by ClinVar (database versions not stated): gnomAD 0.00216 and 0.00270; TOPMed 0.00260; 1000 Genomes Project 30x 0.00812; 1000 Genomes Project 0.00879.

Submission:

Illumina Laboratory Services, Illumina
Classification: Benign for Hereditary spastic paraplegia 6. Last evaluated: 2018-01-12. Review status: criteria provided, single submitter. Criteria: ICSL Variant Classification Criteria 13 December 2019. Collection method: clinical testing. Allele origin: germline.
Comment: This variant was observed in the ICSL laboratory as part of a predisposition screen in an ostensibly healthy population. It had not been previously curated by ICSL or reported in the Human Gene Mutation Database (HGMD: prior to June 1st, 2018), and was therefore a candidate for classification through an automated scoring system. Utilizing variant allele frequency, disease prevalence and penetrance estimates, and inheritance mode, an automated score was calculated to assess if this variant is too frequent to cause the disease. Based on the score and internal cut-off values, a variant classified as benign is not then subjected to further curation. The score for this variant resulted in a classification of benign for this disease.